The following is an entry in ClinVar:

ClinVar aggregate classification (germline): Uncertain significance. Review status: criteria provided, single submitter (1 of 4 stars). 2 submissions from 2 submitters: Uncertain significance (1). 1 of the submissions does not count toward it. Last evaluated 2025-06-10.

Conditions:
FMN2-related disorder. Also called: FMN2-related condition.
Inborn genetic diseases. Identifiers: MedGen C0950123, MeSH D030342.

gnomAD v4.1: 113 of 1,589,524 alleles (0.0071%); highest among the groups gnomAD compares: Non-Finnish European, 0.0085%; no homozygotes.

Submissions (2):

Ambry Genetics
Classification: Uncertain significance for Inborn genetic diseases. Last evaluated: 2025-06-10. Review status: criteria provided, single submitter. Criteria: Ambry Variant Classification Scheme 2023. Collection method: clinical testing. Allele origin: germline.

PreventionGenetics, part of Exact Sciences
Classification: Uncertain significance for FMN2-related condition. Last evaluated: 2024-08-29. Review status: no assertion criteria provided. Collection method: clinical testing. Allele origin: germline. Not counted in ClinVar's aggregate classification.
Comment: The FMN2 c.1408C>T variant is predicted to result in the amino acid substitution p.Arg470Trp. To our knowledge, this variant has not been reported in the literature. This variant is reported in 0.0047% of alleles in individuals of African descent in gnomAD. At this time, the clinical significance of this variant is uncertain due to the absence of conclusive functional and genetic evidence.

NM_020066.5(FMN2):c.1408C>T (p.Arg470Trp)

Gene: FMN2 (formin 2; plus strand). Cytogenetic location: 1q43.
Variant type: single nucleotide variant.
Coding change: c.1408C>T on transcript NM_020066.5 (MANE Select); coding-DNA position 1408, C replaced by T.
Protein change: p.Arg470Trp; replaces arginine 470 with tryptophan.
Molecular consequence: missense variant.
Genome position (GRCh38, 1-based): chr1:240,093,517, C>T. VCF-style: chr1-240093517-C-T. GRCh37 (hg19) VCF-style: chr1-240256817-C-T.
Other names: c.1408C>T, p.Arg470Trp (NM_001305424.2, NM_001348094.2); short protein forms R470W.
Identifiers: ClinVar variation 2464872 (VCV002464872.4), dbSNP rs997168836, ClinGen allele CA39891286.
Genomic context (GRCh38, chr1:240,093,517, plus strand): 5'-TCCCTGAGCCGAGGGTCCAGAACTGCCCTGGCCTCCGTAGCCGCCCCGGCCAAGAAGCAC[C>T]GGGCCGACGGCGGCCTTGCGGCCGGCCTGAGCCGCTCGGCTGACTGGACGGAGGAGCTAG-3'
Protein context (NP_064450.3, residues 460-480): ASVAAPAKKH[Arg470Trp]ADGGLAAGLS